The following is an entry in ClinVar:

ClinVar aggregate classification (germline): Uncertain significance. Review status: criteria provided, multiple submitters, no conflicts (2 of 4 stars). 6 submissions from 6 submitters: Uncertain significance (6). Last evaluated 2026-02-02.

Conditions:
HCN4-related disorder. Also called: HCN4-related condition.
Brugada syndrome 8 (BRGDA8). Identifiers: Orphanet 130, MedGen C2751083, MONDO:0013148, OMIM 613123.
Cardiovascular phenotype. Identifiers: MedGen CN230736.

Allele frequency attached by ClinVar (database versions not stated): gnomAD exomes 0.00001; gnomAD 0.00004; TOPMed 0.00005; ExAC 0.00014.
gnomAD v4.1: 12 of 1,345,682 alleles (0.00089%); highest among the groups gnomAD compares: African/African-American, 0.011%; no homozygotes.

Submissions (6):

Labcorp Genetics (formerly Invitae), Labcorp
Classification: Uncertain significance for Brugada syndrome 8. Last evaluated: 2026-02-02. Review status: criteria provided, single submitter. Criteria: Invitae Variant Classification Sherloc (09022015). Collection method: clinical testing. Allele origin: germline.
Comment: This sequence change replaces isoleucine, which is neutral and non-polar, with leucine, which is neutral and non-polar, at codon 132 of the HCN4 protein (p.Ile132Leu). This variant is present in population databases (rs772764704, gnomAD 0.02%). This variant has not been reported in the literature in individuals affected with HCN4-related conditions. ClinVar contains an entry for this variant (Variation ID: 538085). Invitae Evidence Modeling of protein sequence and biophysical properties (such as structural, functional, and spatial information, amino acid conservation, physicochemical variation, residue mobility, and thermodynamic stability) indicates that this missense variant is not expected to disrupt HCN4 protein function with a negative predictive value of 95%. In summary, the available evidence is currently insufficient to determine the role of this variant in disease. Therefore, it has been classified as a Variant of Uncertain Significance.

Ambry Genetics
Classification: Uncertain significance for Cardiovascular phenotype. Last evaluated: 2023-12-23. Review status: criteria provided, single submitter. Criteria: Ambry Variant Classification Scheme 2023. Collection method: clinical testing. Allele origin: germline.
Comment: The p.I132L variant (also known as c.394A>C), located in coding exon 1 of the HCN4 gene, results from an A to C substitution at nucleotide position 394. The isoleucine at codon 132 is replaced by leucine, an amino acid with highly similar properties. This amino acid position is highly conserved in available vertebrate species. In addition, the in silico prediction for this alteration is inconclusive. Since supporting evidence is limited at this time, the clinical significance of this alteration remains unclear.

Revvity Omics, Revvity
Classification: Uncertain significance. Last evaluated: 2023-06-27. Review status: criteria provided, single submitter. Criteria: ACMG Guidelines, 2015. Collection method: clinical testing. Allele origin: germline.

GeneDx
Classification: Uncertain significance. Last evaluated: 2023-03-30. Review status: criteria provided, single submitter. Criteria: GeneDx Variant Classification Process June 2021. Collection method: clinical testing. Allele origin: germline. Affected: yes.
Comment: Has not been previously published as pathogenic or benign to our knowledge; Not observed at significant frequency in large population cohorts (gnomAD); In silico analysis supports that this missense variant does not alter protein structure/function

PreventionGenetics, part of Exact Sciences
Classification: Uncertain significance for HCN4-related condition. Last evaluated: 2023-01-20. Review status: criteria provided, single submitter. Criteria: ACMG Guidelines, 2015. Collection method: clinical testing. Allele origin: germline.
Comment: The HCN4 c.394A>C variant is predicted to result in the amino acid substitution p.Ile132Leu. To our knowledge, this variant has not been reported in the literature. This variant is reported in 0.018% of alleles in individuals of African descent in gnomAD. At this time, the clinical significance of this variant is uncertain due to the absence of conclusive functional and genetic evidence.

Eurofins Ntd Llc (ga)
Classification: Uncertain significance. Last evaluated: 2018-06-11. Review status: criteria provided, single submitter. Criteria: EGL ClinVar v180209 classification definitions. Collection method: clinical testing. Allele origin: germline. Observed: 1 variant allele, 1 heterozygote.

NM_005477.3(HCN4):c.394A>C (p.Ile132Leu)

Gene: HCN4 (hyperpolarization activated cyclic nucleotide gated potassium channel 4; minus strand). Cytogenetic location: 15q24.1.
Variant type: single nucleotide variant.
Coding change: c.394A>C on transcript NM_005477.3 (MANE Select); coding-DNA position 394, A replaced by C.
Protein change: p.Ile132Leu; replaces isoleucine 132 with leucine.
Molecular consequence: missense variant.
Genome position (GRCh38, 1-based): chr15:73,367,877, T>G on the plus strand (A>C on the coding strand, the complement: HCN4 is on the minus strand). VCF-style: chr15-73367877-T-G. GRCh37 (hg19) VCF-style: chr15-73660218-T-G.
Other names: short protein forms I132L.
Identifiers: ClinVar variation 538085 (VCV000538085.22), dbSNP rs772764704, ClinGen allele CA7649478.